The following is an entry in ClinVar:

ClinVar aggregate classification (germline): Uncertain significance (1 of 4 stars; one submission).

Conditions:
Bethlem myopathy 1A. Also called: Bethlem Muscular Dystrophy; MYOPATHY, BENIGN CONGENITAL, WITH CONTRACTURES; Bethlem myopathy 1. Identifiers: Orphanet 610, MedGen CN029274, MONDO:0024530, OMIM 158810.

Submission:

MGZ Medical Genetics Center
Classification: Uncertain significance for Bethlem myopathy 1A. Last evaluated: 2022-05-11. Review status: criteria provided, single submitter. Criteria: ACMG Guidelines, 2015. Collection method: clinical testing. Allele origin: germline. Affected: yes. Observed: 1 variant allele.
Comment: ACMG criteria applied: PVS1_STR, PM2_SUP

NM_001849.4(COL6A2):c.2497dup (p.Asp833fs)

Gene: COL6A2 (collagen type VI alpha 2 chain; plus strand). Cytogenetic location: 21q22.3.
Variant type: Duplication.
Coding change: c.2497dup on transcript NM_001849.4 (MANE Select); coding-DNA position 2497, one base duplicated (G; older notation c.2497dupG).
Protein change: p.Asp833fs; shifts the reading frame from aspartic acid 833.
Molecular consequence: frameshift variant.
Genome position (GRCh38, 1-based): chr21:46,131,989, G duplicated; the last of 2 consecutive G bases (chr21:46,131,988-46,131,989); duplicating either gives the same sequence. VCF-style (leftmost placement, unchanged base first): chr21-46131987-T-TG. GRCh37 (hg19) VCF-style: chr21-47551901-T-TG.
Other names: short protein forms D833fs.
Identifiers: ClinVar variation 1709436 (VCV001709436.2), dbSNP rs2517029294, ClinGen allele CA2580098976.